The following is an entry in ClinVar:

ClinVar aggregate classification (germline): Uncertain significance. Review status: criteria provided, multiple submitters, no conflicts (2 of 4 stars). 2 submissions from 2 submitters: Uncertain significance (2). Last evaluated 2022-06-27.

Conditions:
Lethal multiple pterygium syndrome (LMPS). Identifiers: Orphanet 33108, MedGen C1854678, MONDO:0009668, OMIM 253290.

Allele frequency attached by ClinVar (database versions not stated): gnomAD exomes 0.00001 and 0.00002.

Submissions (2):

Labcorp Genetics (formerly Invitae), Labcorp
Classification: Uncertain significance for Lethal multiple pterygium syndrome. Last evaluated: 2022-06-27. Review status: criteria provided, single submitter. Criteria: Invitae Variant Classification Sherloc (09022015). Collection method: clinical testing. Allele origin: germline.
Comment: In summary, the available evidence is currently insufficient to determine the role of this variant in disease. Therefore, it has been classified as a Variant of Uncertain Significance. This sequence change replaces valine, which is neutral and non-polar, with methionine, which is neutral and non-polar, at codon 49 of the CHRNA1 protein (p.Val49Met). This variant is present in population databases (no rsID available, gnomAD 0.003%). This variant has not been reported in the literature in individuals affected with CHRNA1-related conditions. ClinVar contains an entry for this variant (Variation ID: 851136). Advanced modeling of protein sequence and biophysical properties (such as structural, functional, and spatial information, amino acid conservation, physicochemical variation, residue mobility, and thermodynamic stability) performed at Invitae indicates that this missense variant is not expected to disrupt CHRNA1 protein function.

Revvity Omics, Revvity
Classification: Uncertain significance. Last evaluated: 2019-12-15. Review status: criteria provided, single submitter. Criteria: ACMG Guidelines, 2015. Collection method: clinical testing. Allele origin: germline.

NM_000079.4(CHRNA1):c.145G>A (p.Val49Met)

Gene: CHRNA1 (cholinergic receptor nicotinic alpha 1 subunit; minus strand). Cytogenetic location: 2q31.1.
Variant type: single nucleotide variant.
Coding change: c.145G>A on transcript NM_000079.4 (MANE Select); coding-DNA position 145, G replaced by A.
Protein change: p.Val49Met; replaces valine 49 with methionine.
Molecular consequence: missense variant.
Genome position (GRCh38, 1-based): chr2:174,759,532, C>T on the plus strand (G>A on the coding strand, the complement: CHRNA1 is on the minus strand). VCF-style: chr2-174759532-C-T. GRCh37 (hg19) VCF-style: chr2-175624260-C-T.
Other names: c.145G>A, p.Val49Met (NM_001039523.3); short protein forms V49M.
Identifiers: ClinVar variation 851136 (VCV000851136.12), dbSNP rs1019158028, ClinGen allele CA60857210.
Genomic context (GRCh38, chr2:174,759,532, plus strand): 5'-AGTGCTCTTGTCTCACCACATTGATGAGCTGTATCAGCTGCAGGCCCACGGTGACCTCCA[C>T]GACCTGGCGGTGGTCTTCCACTGGCCGCACCACGCTGCTGTAGTCTTTAAATAGCTTTGC-3'
Protein context (NP_000070.1, residues 39-59): VRPVEDHRQV[Val49Met]EVTVGLQLIQ